The following is an entry in ClinVar:

NM_000489.6(ATRX):c.6396A>G (p.Val2132=)

Gene: ATRX (ATRX chromatin remodeler; minus strand). Cytogenetic location: Xq21.1.
Variant type: single nucleotide variant.
Coding change: c.6396A>G on transcript NM_000489.6 (MANE Select); coding-DNA position 6396, A replaced by G.
Protein change: p.Val2132=; no amino-acid change (valine 2132 retained).
Molecular consequence: synonymous variant.
Genome position (GRCh38, 1-based): chrX:77,558,777, T>C on the plus strand (A>G on the coding strand, the complement: ATRX is on the minus strand). VCF-style: chrX-77558777-T-C. GRCh37 (hg19) VCF-style: chrX-76814248-T-C.
Other names: c.6282A>G, p.Val2094= (NM_138270.5).
Identifiers: ClinVar variation 4977264 (VCV004977264.1).

ClinVar aggregate classification (germline): Likely benign (1 of 4 stars; one submission).

Conditions:
ATRX-related disorder. Also called: ATRX-related condition.

Submission:

PreventionGenetics, part of Exact Sciences
Classification: Likely benign for ATRX-related condition. Last evaluated: 2026-09-12. Review status: criteria provided, single submitter. Criteria: ACMG Guidelines, 2015. Collection method: clinical testing. Allele origin: germline.
Comment: This variant is classified as likely benign based on ACMG/AMP sequence variant interpretation guidelines (Richards et al. 2015 PMID: 25741868, with internal and published modifications).